The following is an entry in ClinVar:

NM_015041.3(CLUAP1):c.1084G>A (p.Asp362Asn)

Gene: CLUAP1 (clusterin associated protein 1; plus strand). Cytogenetic location: 16p13.3.
Variant type: single nucleotide variant.
Coding change: c.1084G>A on transcript NM_015041.3 (MANE Select); coding-DNA position 1084, G replaced by A.
Protein change: p.Asp362Asn; replaces aspartic acid 362 with asparagine.
Molecular consequence: missense variant.
Genome position (GRCh38, 1-based): chr16:3,532,833, G>A. VCF-style: chr16-3532833-G-A. GRCh37 (hg19) VCF-style: chr16-3582833-G-A.
Other names: c.1084G>A, p.Asp362Asn (NM_001330454.2); c.586G>A, p.Asp196Asn (NM_024793.3); short protein forms D196N, D362N.
Identifiers: ClinVar variation 843767 (VCV000843767.9), dbSNP rs142451935, ClinGen allele CA7863987.
Genomic context (GRCh38, chr16:3,532,833, plus strand): 5'-TTGTTGTTCTCAGGAAGACCTGGCAAACGCATTGTGGGCACGATGCAAGGTGGAGACTCC[G>A]ATGACAATGTAAGTCCCCCGCTCCCCTCAGTGGTTCTGTGCACTCTGGGTTTGGCTGTCC-3'
Protein context (NP_055856.1, residues 352-372): IVGTMQGGDS[Asp362Asn]DNEDSEESEI

ClinVar aggregate classification (germline): Uncertain significance. Review status: criteria provided, single submitter (1 of 4 stars). 2 submissions from 2 submitters: Uncertain significance (1). 1 of the submissions does not count toward it. Last evaluated 2026-01-14.

Conditions:
Retinal dystrophy. Also called: Inherited retinal dystrophy. Identifiers: Orphanet 71862, MedGen C0854723, MeSH D058499, MONDO:0019118, HP:0000556.

Allele frequency attached by ClinVar (database versions not stated): gnomAD exomes 0.00033; ExAC 0.00041; 1000 Genomes Project 30x 0.00078; TOPMed 0.00022; ESP Exome Variant Server 0.00023; gnomAD 0.00032 and 0.00033; 1000 Genomes Project 0.00080.
gnomAD v4.1: 528 of 1,614,102 alleles (0.033%); highest among the groups gnomAD compares: Non-Finnish European, 0.04%; 2 homozygotes.

Submissions (2):

Labcorp Genetics (formerly Invitae), Labcorp
Classification: Uncertain significance. Last evaluated: 2026-01-14. Review status: criteria provided, single submitter. Criteria: Invitae Variant Classification Sherloc (09022015). Collection method: clinical testing. Allele origin: germline.
Comment: This sequence change replaces aspartic acid, which is acidic and polar, with asparagine, which is neutral and polar, at codon 362 of the CLUAP1 protein (p.Asp362Asn). This variant is present in population databases (rs142451935, gnomAD 0.07%), and has an allele count higher than expected for a pathogenic variant. This variant has not been reported in the literature in individuals affected with CLUAP1-related conditions. ClinVar contains an entry for this variant (Variation ID: 843767). Invitae Evidence Modeling of protein sequence and biophysical properties (such as structural, functional, and spatial information, amino acid conservation, physicochemical variation, residue mobility, and thermodynamic stability) indicates that this missense variant is not expected to disrupt CLUAP1 protein function with a negative predictive value of 80%. In summary, the available evidence is currently insufficient to determine the role of this variant in disease. Therefore, it has been classified as a Variant of Uncertain Significance.

Institute of Human Genetics, Univ. Regensburg, Univ. Regensburg
Classification: Uncertain significance for Retinal dystrophy. Last evaluated: 2022-01-01. Review status: no assertion criteria provided. Criteria: ACMG Guidelines, 2015. Collection method: clinical testing. Allele origin: germline. Affected: yes. Not counted in ClinVar's aggregate classification.